The following is an entry in ClinVar:

NM_016151.4(TAOK2):c.2237G>A (p.Arg746His)

Gene: TAOK2 (TAO kinase 2; plus strand). Cytogenetic location: 16p11.2.
Variant type: single nucleotide variant.
Coding change: c.2237G>A on transcript NM_016151.4 (MANE Select); coding-DNA position 2237, G replaced by A.
Protein change: p.Arg746His; replaces arginine 746 with histidine.
Molecular consequence: missense variant. On other transcripts: intron variant (2).
Genome position (GRCh38, 1-based): chr16:29,986,509, G>A. VCF-style: chr16-29986509-G-A. GRCh37 (hg19) VCF-style: chr16-29997830-G-A.
Other names: c.2232+5G>A (NM_004783.4, NM_001252043.2); short protein forms R746H.
Identifiers: ClinVar variation 1355959 (VCV001355959.6), dbSNP rs377399375, ClinGen allele CA7998339.
Genomic context (GRCh38, chr16:29,986,509, plus strand): 5'-AAGAGTTGCGGCAGAAGCATGCGGCCCAGGTTCGCCAGCAGCCCAAGAGCCTCAAAGTAC[G>A]TGCAGGCCAGCGCCCCCCGGGCCTTCCACTCCCCATTCCTGGGGCTCTGGGCCCACCCAA-3'
Protein context (NP_057235.2, residues 736-756): VRQQPKSLKV[Arg746His]AGQRPPGLPL

ClinVar aggregate classification (germline): Uncertain significance (1 of 4 stars; one submission).

Allele frequency attached by ClinVar (database versions not stated): gnomAD exomes below 0.00001; ExAC 0.00001; ESP Exome Variant Server 0.00008.

Submission:

Labcorp Genetics (formerly Invitae), Labcorp
Classification: Uncertain significance. Last evaluated: 2022-08-23. Review status: criteria provided, single submitter. Criteria: Invitae Variant Classification Sherloc (09022015). Collection method: clinical testing. Allele origin: germline.
Comment: This variant is not present in population databases (gnomAD no frequency). In summary, the available evidence is currently insufficient to determine the role of this variant in disease. Therefore, it has been classified as a Variant of Uncertain Significance. Algorithms developed to predict the effect of missense changes on protein structure and function are either unavailable or do not agree on the potential impact of this missense change (SIFT: "Deleterious"; PolyPhen-2: "Possibly Damaging"; Align-GVGD: "Class C0"). ClinVar contains an entry for this variant (Variation ID: 1355959). This variant has not been reported in the literature in individuals affected with TAOK2-related conditions. This sequence change replaces arginine, which is basic and polar, with histidine, which is basic and polar, at codon 746 of the TAOK2 protein (p.Arg746His).